The following is an entry in ClinVar:

ClinVar aggregate classification (germline): Pathogenic. Review status: criteria provided, multiple submitters, no conflicts (2 of 4 stars). 5 submissions from 5 submitters: Pathogenic (4). 1 of the submissions does not count toward it. Last evaluated 2025-10-06.

Conditions:
Wiskott-Aldrich syndrome (WAS). Also called: ALDRICH SYNDROME; IMMUNODEFICIENCY 2; WISKOTT-ALDRICH SYNDROME 1; Wiskott-aldrich syndrome, somatic. Identifiers: Orphanet 906, MedGen C0043194, MONDO:0010518, OMIM 301000.
WAS-related disorder. Also called: WAS-related condition; WAS-Related Disorders. Identifiers: MedGen CN381538.
X-linked severe congenital neutropenia (SCNX). Identifiers: Orphanet 86788, MedGen C1845987, MONDO:0010294, OMIM 300299.
Thrombocytopenia 1. Also called: X-Linked Thrombocytopenia (XLT); THROMBOCYTOPENIA, X-LINKED, 1; X-linked thrombocytopenia with normal platelets. Identifiers: Orphanet 268322, Orphanet 852, MedGen C1839163, MONDO:0010743, OMIM 313900.

Allele frequency attached by ClinVar (database versions not stated): gnomAD exomes below 0.00001.

Submissions (5):

Labcorp Genetics (formerly Invitae), Labcorp
Classification: Pathogenic for Wiskott-Aldrich syndrome; X-linked severe congenital neutropenia; Thrombocytopenia 1. Last evaluated: 2025-10-06. Review status: criteria provided, single submitter. Criteria: Invitae Variant Classification Sherloc (09022015). Collection method: clinical testing. Allele origin: germline.
Comment: This sequence change replaces arginine, which is basic and polar, with cysteine, which is neutral and slightly polar, at codon 86 of the WAS protein (p.Arg86Cys). This variant is not present in population databases (gnomAD no frequency). This missense change has been observed in individuals with WAS-related conditions (PMID: 8528198, 21710275, 23033889). ClinVar contains an entry for this variant (Variation ID: 936334). Invitae Evidence Modeling of protein sequence and biophysical properties (such as structural, functional, and spatial information, amino acid conservation, physicochemical variation, residue mobility, and thermodynamic stability) indicates that this missense variant is expected to disrupt WAS protein function with a positive predictive value of 80%. This variant disrupts the p.Arg86 amino acid residue in WAS. Other variant(s) that disrupt this residue have been determined to be pathogenic (PMID: 9326235, 10202051, 12969986, 15284122, 17213309, 19817875, 20959042, 22523910, 23033889). This suggests that this residue is clinically significant, and that variants that disrupt this residue are likely to be disease-causing. For these reasons, this variant has been classified as Pathogenic.

Fulgent Genetics
Classification: Pathogenic for X-linked severe congenital neutropenia; Wiskott-Aldrich syndrome; Thrombocytopenia 1. Last evaluated: 2024-03-19. Review status: criteria provided, single submitter. Criteria: ACMG Guidelines, 2015. Collection method: clinical testing. Allele origin: germline.

Women's Health and Genetics/Laboratory Corporation of America, LabCorp
Classification: Pathogenic for Wiskott-Aldrich syndrome. Last evaluated: 2021-03-01. Review status: criteria provided, single submitter. Criteria: LabCorp Variant Classification Summary - May 2015. Collection method: clinical testing. Allele origin: germline.
Comment: Variant summary: WAS c.256C>T (p.Arg86Cys) results in a non-conservative amino acid change located in the WH1/EVH1 domain of the encoded protein sequence. Five of five in-silico tools predict a damaging effect of the variant on protein function. The variant was absent in 178695 control chromosomes. c.256C>T has been reported in the literature in numerous individuals affected with Wiskott-Aldrich Syndrome, and reported in several families (eg. Albert_2010, Schwartz_1996). These data indicate that the variant is very likely to be associated with disease. Other variants affecting the same codon have also been reproted in association with Wiskott-Aldrich Syndrome (p.Arg86His, p.Arg86Pro, p.Arg86Leu). One clinical diagnostic laboratory has submitted clinical-significance assessments for this variant to ClinVar after 2014 without evidence for independent evaluation. One laboratory classified the variant as pathogenic/likely pathogenic. Based on the evidence outlined above, the variant was classified as pathogenic.

Blueprint Genetics
Classification: Pathogenic for WAS-related disorders. Last evaluated: 2020-03-03. Review status: criteria provided, single submitter. Criteria: ACMG Guidelines, 2015. Collection method: clinical testing. Allele origin: germline. Affected: yes. Observed: 3 variant alleles.

PreventionGenetics, part of Exact Sciences
Classification: Pathogenic for WAS-related condition. Last evaluated: 2024-01-30. Review status: no assertion criteria provided. Collection method: clinical testing. Allele origin: germline. Not counted in ClinVar's aggregate classification.
Comment: The WAS c.256C>T variant is predicted to result in the amino acid substitution p.Arg86Cys. This variant has been commonly reported in individuals with WAS-related conditions, with many patients presenting with X-linked thrombocytopenia (see for example Kwan et al. 1995. PubMed ID: 8595430; Jin et al. 2004. PubMed ID: 15284122; Buchbinder et al. 2011. PubMed ID: 21710275). WAS protein level in patient cells was reported to be reduced in individuals with the p.Arg86Cys substitution (Jin et al. 2004. PubMed ID: 15284122). The p.Arg86 amino acid has been described as a mutational hot spot, with five other substitutions of p.Arg86 (to Ser, His, Gly, Leu, and Pro) having also been reported to be causative for disease (e.g., Schindelhauer et al. 1996. PubMed ID: 8682510; Jin et al. 2004. PubMed ID: 15284122). This variant has not been reported in a large population database, indicating this variant is rare. In summary, this variant is interpreted as pathogenic.

Literature cited by the submitters: PubMed 8528198 (cited by Labcorp Genetics (formerly Invitae), Labcorp); PubMed 21710275 (cited by Labcorp Genetics (formerly Invitae), Labcorp); PubMed 23033889 (cited by Labcorp Genetics (formerly Invitae), Labcorp); PubMed 9326235 (cited by Labcorp Genetics (formerly Invitae), Labcorp); PubMed 10202051 (cited by Labcorp Genetics (formerly Invitae), Labcorp); PubMed 12969986 (cited by Labcorp Genetics (formerly Invitae), Labcorp); PubMed 15284122 (cited by Labcorp Genetics (formerly Invitae), Labcorp); PubMed 17213309 (cited by Labcorp Genetics (formerly Invitae), Labcorp); PubMed 19817875 (cited by Labcorp Genetics (formerly Invitae), Labcorp); PubMed 20959042 (cited by Labcorp Genetics (formerly Invitae), Labcorp); PubMed 22523910 (cited by Labcorp Genetics (formerly Invitae), Labcorp); PubMed 8743175 (cited by Women's Health and Genetics/Laboratory Corporation of America, LabCorp); PubMed 20173115 (cited by Women's Health and Genetics/Laboratory Corporation of America, LabCorp).

NM_000377.3(WAS):c.256C>T (p.Arg86Cys)

Gene: WAS (WASP actin nucleation promoting factor; plus strand). Cytogenetic location: Xp11.23.
Variant type: single nucleotide variant.
Coding change: c.256C>T on transcript NM_000377.3 (MANE Select); coding-DNA position 256, C replaced by T.
Protein change: p.Arg86Cys; replaces arginine 86 with cysteine.
Molecular consequence: missense variant.
Genome position (GRCh38, 1-based): chrX:48,684,406, C>T. VCF-style: chrX-48684406-C-T. GRCh37 (hg19) VCF-style: chrX-48542795-C-T.
Other names: short protein forms R86C.
Identifiers: ClinVar variation 936334 (VCV000936334.14), dbSNP rs2062412810, ClinGen allele CA412866620.